The following is an entry in ClinVar:

NM_001042492.3(NF1):c.5771T>G (p.Leu1924Ter)

Gene: NF1 (neurofibromin 1; plus strand). Cytogenetic location: 17q11.2.
Variant type: single nucleotide variant.
Coding change: c.5771T>G on transcript NM_001042492.3 (MANE Select); coding-DNA position 5771, T replaced by G.
Protein change: p.Leu1924Ter; replaces leucine 1924 with a stop codon.
Molecular consequence: nonsense.
Genome position (GRCh38, 1-based): chr17:31,330,457, T>G. VCF-style: chr17-31330457-T-G. GRCh37 (hg19) VCF-style: chr17-29657475-T-G.
Other names: c.5708T>G, p.Leu1903Ter (NM_000267.4); short protein forms L1903*, L1924*.
Identifiers: ClinVar variation 2736563 (VCV002736563.5), dbSNP rs1198491194, ClinGen allele CA399010436.

ClinVar aggregate classification (germline): Pathogenic/Likely pathogenic. Review status: criteria provided, multiple submitters, no conflicts (2 of 4 stars). 3 submissions from 3 submitters: Pathogenic (2); Likely pathogenic (1). Last evaluated 2024-10-02.

Conditions:
Neurofibromatosis, type 1 (NF1). Also called: Neurofibromatosis, type I; Peripheral type neurofibromatosis; VON RECKLINGHAUSEN DISEASE; NEUROFIBROMATOSIS, TYPE I, SOMATIC. Identifiers: Orphanet 636, MedGen C0027831, MONDO:0018975, OMIM 162200. Disease mechanism: loss of function.
Cardiovascular phenotype. Identifiers: MedGen CN230736.
Hereditary cancer-predisposing syndrome. Also called: Hereditary neoplastic syndrome; Hereditary Cancer Syndrome; Neoplastic Syndromes, Hereditary; Tumor predisposition. Identifiers: Orphanet 140162, MedGen C0027672, MeSH D009386, MONDO:0015356.

Allele frequency attached by ClinVar (database versions not stated): gnomAD exomes below 0.00001.
gnomAD v4.1: 1 of 1,613,876 alleles (0.000062%); highest among the groups gnomAD compares: Admixed American, 0.0017%; no homozygotes.

Submissions (3):

GeneDx
Classification: Likely pathogenic. Last evaluated: 2024-10-02. Review status: criteria provided, single submitter. Criteria: GeneDx Variant Classification Process June 2021. Collection method: clinical testing. Allele origin: germline. Affected: yes.
Comment: Nonsense variant predicted to result in protein truncation or nonsense mediated decay in a gene for which loss of function is a known mechanism of disease; This variant is associated with the following publications: (PMID: 24789688)

Labcorp Genetics (formerly Invitae), Labcorp
Classification: Pathogenic for Neurofibromatosis, type 1. Last evaluated: 2024-09-13. Review status: criteria provided, single submitter. Criteria: Invitae Variant Classification Sherloc (09022015). Collection method: clinical testing. Allele origin: germline.
Comment: This sequence change creates a premature translational stop signal (p.Leu1903*) in the NF1 gene. It is expected to result in an absent or disrupted protein product. Loss-of-function variants in NF1 are known to be pathogenic (PMID: 10712197, 23913538). This variant is present in population databases (no rsID available, gnomAD 0.003%). This premature translational stop signal has been observed in individual(s) with clinical features of NF1-related conditions (PMID: 24789688). For these reasons, this variant has been classified as Pathogenic.

Ambry Genetics
Classification: Pathogenic for Cardiovascular phenotype; Hereditary cancer-predisposing syndrome. Last evaluated: 2024-02-05. Review status: criteria provided, single submitter. Criteria: Ambry Variant Classification Scheme 2023. Collection method: clinical testing. Allele origin: germline.
Comment: The c.5708T>G (p.L1903*) alteration, located in exon 38 (coding exon 38) of the NF1 gene, consists of a T to G substitution at nucleotide position 5708. This changes the amino acid from a leucine (L) to a stop codon at amino acid position 1903. This alteration is expected to result in loss of function by premature protein truncation or nonsense-mediated mRNA decay. Based on data from gnomAD, the G allele has an overall frequency of <0.001% (1/251126) total alleles studied. The highest observed frequency was 0.003% (1/34542) of Latino alleles. This variant was reported in one individual who either met clinical criteria or had a suspected clinical diagnosis of Neurofibromatosis type 1 (Xu, 2014). Based on the available evidence, this alteration is classified as pathogenic.

Literature cited by the submitters: PubMed 10712197 (cited by Labcorp Genetics (formerly Invitae), Labcorp); PubMed 23913538 (cited by Labcorp Genetics (formerly Invitae), Labcorp); PubMed 24789688 (cited by Labcorp Genetics (formerly Invitae), Labcorp).